The following is an entry in ClinVar:

NM_003742.4(ABCB11):c.224C>A (p.Ala75Asp)

Gene: ABCB11 (ATP binding cassette subfamily B member 11; minus strand). Cytogenetic location: 2q31.1.
Variant type: single nucleotide variant.
Coding change: c.224C>A on transcript NM_003742.4 (MANE Select); coding-DNA position 224, C replaced by A.
Protein change: p.Ala75Asp; replaces alanine 75 with aspartic acid.
Molecular consequence: missense variant.
Genome position (GRCh38, 1-based): chr2:169,013,437, G>T on the plus strand (C>A on the coding strand, the complement: ABCB11 is on the minus strand). VCF-style: chr2-169013437-G-T. GRCh37 (hg19) VCF-style: chr2-169869947-G-T.
Other names: short protein forms A75D.
Identifiers: ClinVar variation 4845949 (VCV004845949.1).

ClinVar aggregate classification (germline): Uncertain significance (1 of 4 stars; one submission).

Conditions:
Familial intrahepatic cholestasis. Identifiers: Orphanet 284385, MedGen CN296401, MONDO:0017290.

Submission:

Genomenon, Inc
Classification: Uncertain significance for Familial intrahepatic cholestasis. Last evaluated: 2026-04-14. Review status: criteria provided, single submitter. Criteria: Genomenon Sequence Variant Interpretation Standards - Updated. Collection method: curation. Allele origin: germline. Affected: yes.
Comment: ABCB11 p.Ala75Asp (c.224C>A) is a missense variant that changes the amino acid at residue 75 from Alanine to Aspartic acid. This variant has been observed in at least one proband with an ABCB11-related disorder (PMID:33915153). It is absent or not present at a significant frequency in gnomAD. In silico models predict that this variant is possibly or probably damaging. In conclusion, we classify ABCB11 p.Ala75Asp (c.224C>A) as a variant of uncertain significance.

Literature cited by the submitters: PubMed 33915153.